The following is an entry in ClinVar:

ClinVar aggregate classification (germline): Uncertain significance (0 of 4 stars; one submission).

Allele frequency attached by ClinVar (database versions not stated): gnomAD exomes below 0.00001 and 0.00001; gnomAD 0.00002; TOPMed 0.00002.
gnomAD v4.1: 10 of 1,613,708 alleles (0.00062%); highest among the groups gnomAD compares: Non-Finnish European, 0.00085%; no homozygotes.

Submission:

Department of Pathology and Laboratory Medicine, Sinai Health System
Classification: Uncertain significance. Review status: no assertion criteria provided. Collection method: clinical testing. Allele origin: unknown. Affected: yes. Study: The Canadian Open Genetics Repository (COGR).
Comment: The DCC p.Pro828Ser variant was not identified in the literature nor was it identified in ClinVar or LOVD 3.0. The variant was identified in dbSNP (ID: rs1453579906) and in control databases in 1 of 250950 chromosomes at a frequency of 0.000003985 (Genome Aggregation Database March 6, 2019, v2.1.1). The variant was observed in the European (non-Finnish) population in 1 of 113250 chromosomes (freq: 0.000009), but was not observed in the African, Latino, Ashkenazi Jewish, East Asian, European (Finnish), Other, or South Asian populations. The p.Pro828 residue is conserved in mammals and four of five computational analyses (PolyPhen-2, SIFT, AlignGVGD, BLOSUM, MutationTaster) do not suggest a high likelihood of impact to the protein. The variant occurs outside of the splicing consensus sequence and in silico or computational prediction software programs (SpliceSiteFinder, MaxEntScan, NNSPLICE, GeneSplicer) do not predict a difference in splicing. In summary, based on the above information the clinical significance of this variant cannot be determined with certainty at this time. This variant is classified as a variant of uncertain significance.

NM_005215.4(DCC):c.2482C>T (p.Pro828Ser)

Gene: DCC (DCC netrin 1 receptor; plus strand). Cytogenetic location: 18q21.2.
Variant type: single nucleotide variant.
Coding change: c.2482C>T on transcript NM_005215.4 (MANE Select); coding-DNA position 2482, C replaced by T.
Protein change: p.Pro828Ser; replaces proline 828 with serine.
Molecular consequence: missense variant.
Genome position (GRCh38, 1-based): chr18:53,391,681, C>T. VCF-style: chr18-53391681-C-T. GRCh37 (hg19) VCF-style: chr18-50918051-C-T.
Other names: short protein forms P828S.
Identifiers: ClinVar variation 1050357 (VCV001050357.1), dbSNP rs1453579906, ClinGen allele CA402471826.